The following is an entry in ClinVar:

ClinVar aggregate classification (germline): Uncertain significance (1 of 4 stars; one submission).

Submission:

CeGaT Center for Human Genetics Tuebingen
Classification: Uncertain significance. Last evaluated: 2022-10-01. Review status: criteria provided, single submitter. Criteria: CeGaT Center For Human Genetics Tuebingen Variant Classification Criteria Version 2. Collection method: clinical testing. Allele origin: germline. Affected: yes. Observed: 1 variant allele.
Comment: JMJD1C: PM2

NM_032776.3(JMJD1C):c.6068A>T (p.Glu2023Val)

Gene: JMJD1C (jumonji domain containing 1C; minus strand). Cytogenetic location: 10q21.3.
Variant type: single nucleotide variant.
Coding change: c.6068A>T on transcript NM_032776.3 (MANE Select); coding-DNA position 6068, A replaced by T.
Protein change: p.Glu2023Val; replaces glutamic acid 2023 with valine.
Molecular consequence: missense variant. On other transcripts: non-coding transcript variant (1).
Genome position (GRCh38, 1-based): chr10:63,192,946, T>A on the plus strand (A>T on the coding strand, the complement: JMJD1C is on the minus strand). VCF-style: chr10-63192946-T-A. GRCh37 (hg19) VCF-style: chr10-64952706-T-A.
Other names: c.5522A>T, p.Glu1841Val (NM_001282948.2, NM_001318154.2); c.5204A>T, p.Glu1735Val (NM_001318153.2); c.5954A>T, p.Glu1985Val (NM_001322252.2); c.5411A>T, p.Glu1804Val (NM_001322254.2, NM_001322258.2); short protein forms E1735V, E1804V, E1841V, E1985V, E2023V.
Identifiers: ClinVar variation 2640509 (VCV002640509.24), dbSNP rs766885486, ClinGen allele CA377025971.